The following is an entry in ClinVar:

NM_001127644.2(GABRA1):c.470C>T (p.Thr157Ile)

Gene: GABRA1 (gamma-aminobutyric acid type A receptor subunit alpha1; plus strand). Cytogenetic location: 5q34.
Variant type: single nucleotide variant.
Coding change: c.470C>T on transcript NM_001127644.2 (MANE Select); coding-DNA position 470, C replaced by T.
Protein change: p.Thr157Ile; replaces threonine 157 with isoleucine.
Molecular consequence: missense variant.
Genome position (GRCh38, 1-based): chr5:161,873,331, C>T. VCF-style: chr5-161873331-C-T. GRCh37 (hg19) VCF-style: chr5-161300337-C-T.
Other names: c.470C>T, p.Thr157Ile (NM_000806.5, NM_001127643.2, NM_001127645.2 and 1 more transcripts); short protein forms T157I.
Identifiers: ClinVar variation 3753870 (VCV003753870.3).

ClinVar aggregate classification (germline): Conflicting classifications of pathogenicity. Review status: criteria provided, conflicting classifications (1 of 4 stars). 2 submissions from 2 submitters: Likely pathogenic (1); Uncertain significance (1). Last evaluated 2024-11-11.

Conditions:
GABRA1-related disorder. Also called: GABRA1-related condition.
Idiopathic generalized epilepsy. Also called: Generalised epilepsy; EIG. Identifiers: MedGen C0270850, MONDO:0005579, OMIM 600669.
Epilepsy, childhood absence 4 (ECA4). Also called: EPILEPSY, CHILDHOOD ABSENCE, SUSCEPTIBILITY TO, 4. Identifiers: Orphanet 307, MedGen C1970160.
Epilepsy, idiopathic generalized, susceptibility to, 13. Also called: EPILEPSY, JUVENILE MYOCLONIC, SUSCEPTIBILITY TO, 5. Identifiers: Orphanet 307, Orphanet 64280, MedGen C4013473, MONDO:0012627, OMIM 611136.

Submissions (2):

Blueprint Genetics
Classification: Likely pathogenic for GABRA1-related disorders. Last evaluated: 2024-11-11. Review status: criteria provided, single submitter. Criteria: ACMG Guidelines, 2015. Collection method: clinical testing. Allele origin: de novo. Affected: yes. Observed: 1 variant allele.

Labcorp Genetics (formerly Invitae), Labcorp
Classification: Uncertain significance for Epilepsy, childhood absence 4; Epilepsy, idiopathic generalized, susceptibility to, 13; Idiopathic generalized epilepsy. Last evaluated: 2024-09-10. Review status: criteria provided, single submitter. Criteria: Invitae Variant Classification Sherloc (09022015). Collection method: clinical testing. Allele origin: germline.
Comment: This sequence change replaces threonine, which is neutral and polar, with isoleucine, which is neutral and non-polar, at codon 157 of the GABRA1 protein (p.Thr157Ile). This variant is not present in population databases (gnomAD no frequency). This variant has not been reported in the literature in individuals affected with GABRA1-related conditions. Invitae Evidence Modeling of protein sequence and biophysical properties (such as structural, functional, and spatial information, amino acid conservation, physicochemical variation, residue mobility, and thermodynamic stability) indicates that this missense variant is expected to disrupt GABRA1 protein function with a positive predictive value of 95%. In summary, the available evidence is currently insufficient to determine the role of this variant in disease. Therefore, it has been classified as a Variant of Uncertain Significance.